The following is an entry in ClinVar:

NM_002432.3(MNDA):c.571A>C (p.Asn191His)

Gene: MNDA (myeloid cell nuclear differentiation antigen; plus strand). Cytogenetic location: 1q23.1.
Variant type: single nucleotide variant.
Coding change: c.571A>C on transcript NM_002432.3 (MANE Select); coding-DNA position 571, A replaced by C.
Protein change: p.Asn191His; replaces asparagine 191 with histidine.
Molecular consequence: missense variant.
Genome position (GRCh38, 1-based): chr1:158,845,587, A>C. VCF-style: chr1-158845587-A-C. GRCh37 (hg19) VCF-style: chr1-158815377-A-C.
Other names: short protein forms N191H.
Identifiers: ClinVar variation 2625380 (VCV002625380.2), dbSNP rs1276424430, ClinGen allele CA343040597.

ClinVar aggregate classification (germline): Uncertain significance (1 of 4 stars; one submission).

Allele frequency attached by ClinVar (database versions not stated): gnomAD exomes below 0.00001; TOPMed below 0.00001; gnomAD 0.00001.
gnomAD v4.1: 5 of 1,608,034 alleles (0.00031%); highest among the groups gnomAD compares: Non-Finnish European, 0.00034%; no homozygotes.

Submission:

Ambry Genetics
Classification: Uncertain significance. Last evaluated: 2023-06-26. Review status: criteria provided, single submitter. Criteria: Ambry Variant Classification Scheme 2023. Collection method: clinical testing. Allele origin: germline.
Comment: The p.N191H variant (also known as c.571A>C) is located in coding exon 4 of the MNDA gene. The asparagine at codon 191 is replaced by histidine, an amino acid with similar properties. This change occurs in the first base pair of coding exon 4. This amino acid position is conserved. In addition, this alteration is predicted to be tolerated by in silico analysis. Since supporting evidence is limited at this time, the clinical significance of this alteration remains unclear.